The following is an entry in ClinVar:

NM_013275.6(ANKRD11):c.7048C>T (p.Gln2350Ter)

Gene: ANKRD11 (ankyrin repeat domain 11; minus strand). Cytogenetic location: 16q24.3.
Variant type: single nucleotide variant.
Coding change: c.7048C>T on transcript NM_013275.6 (MANE Select); coding-DNA position 7048, C replaced by T.
Protein change: p.Gln2350Ter; replaces glutamine 2350 with a stop codon.
Molecular consequence: nonsense.
Genome position (GRCh38, 1-based): chr16:89,279,494, G>A on the plus strand (C>T on the coding strand, the complement: ANKRD11 is on the minus strand). VCF-style: chr16-89279494-G-A. GRCh37 (hg19) VCF-style: chr16-89345902-G-A.
Other names: c.7048C>T, p.Gln2350Ter (NM_001256182.2, NM_001256183.2); c.7048C>T (NM_013275.5); short protein forms Q2350*.
Identifiers: ClinVar variation 2503460 (VCV002503460.2), dbSNP rs2544219631, ClinGen allele CA397149436.

ClinVar aggregate classification (germline): Pathogenic. Review status: criteria provided, multiple submitters, no conflicts (2 of 4 stars). 2 submissions from 2 submitters: Pathogenic (2). Last evaluated 2024-07-30.

Conditions:
KBG syndrome (KBGS). Also called: ANKRD11-Related KBG Syndrome. Identifiers: Orphanet 2332, MedGen C0220687, MONDO:0007846, OMIM 148050.

Submissions (2):

GeneDx
Classification: Pathogenic. Last evaluated: 2024-07-30. Review status: criteria provided, single submitter. Criteria: GeneDx Variant Classification Process June 2021. Collection method: clinical testing. Allele origin: germline. Affected: yes.
Comment: Nonsense variant predicted to result in protein truncation or nonsense mediated decay in a gene for which loss of function is a known mechanism of disease; Not observed at significant frequency in large population cohorts (gnomAD); This variant is associated with the following publications: (PMID: 36964972)

Medical Genetics Unit, Azienda USL-IRCCS di Reggio Emilia
Classification: Pathogenic for KBG syndrome. Last evaluated: 2022-07-27. Review status: criteria provided, single submitter. Criteria: ACMG Guidelines, 2015. Collection method: clinical testing. Allele origin: de novo. Affected: yes. Observed: 1 variant allele.
Comment: ACMG/AMP: PVS1,PS2,PM2